The following is an entry in ClinVar:

NM_004208.4(AIFM1):c.1109A>G (p.Gln370Arg)

Genes: AIFM1 (apoptosis inducing factor mitochondria associated 1; minus strand), RAB33A (RAB33A, member RAS oncogene family; plus strand). Cytogenetic location: Xq26.1.
Variant type: single nucleotide variant.
Coding change: c.1109A>G on transcript NM_004208.4 (MANE Select); coding-DNA position 1109, A replaced by G.
Protein change: p.Gln370Arg; replaces glutamine 370 with arginine.
Molecular consequence: missense variant. On other transcripts: 3 prime UTR variant (1), non-coding transcript variant (1).
Genome position (GRCh38, 1-based): chrX:130,136,698, T>C on the plus strand (A>G on the coding strand, the complement: AIFM1 is on the minus strand). VCF-style: chrX-130136698-T-C. GRCh37 (hg19) VCF-style: chrX-129270673-T-C.
Other names: c.92A>G, p.Gln31Arg (NM_001130846.4); c.*337A>G (NM_001130847.4); c.1097A>G, p.Gln366Arg (NM_145812.3); short protein forms Q366R, Q31R, Q370R.
Identifiers: ClinVar variation 1446540 (VCV001446540.6), dbSNP rs149001713, ClinGen allele CA10515326.

ClinVar aggregate classification (germline): Uncertain significance (1 of 4 stars; one submission).

Conditions:
Combined oxidative phosphorylation deficiency. Identifiers: MedGen C4540031, MONDO:0000732.
Charcot-Marie-Tooth Neuropathy X. Identifiers: MedGen CN118851.

Allele frequency attached by ClinVar (database versions not stated): TOPMed below 0.00001; ExAC 0.00001; ESP Exome Variant Server 0.00009; gnomAD 0.00001; gnomAD exomes 0.00001.
gnomAD v4.1: 8 of 1,208,637 alleles (0.00066%); highest among the groups gnomAD compares: Non-Finnish European, 0.00089%; no homozygotes.

Submission:

Labcorp Genetics (formerly Invitae), Labcorp
Classification: Uncertain significance for Charcot-Marie-Tooth Neuropathy X; Combined oxidative phosphorylation deficiency. Last evaluated: 2025-09-27. Review status: criteria provided, single submitter. Criteria: Invitae Variant Classification Sherloc (09022015). Collection method: clinical testing. Allele origin: germline.
Comment: This sequence change replaces glutamine, which is neutral and polar, with arginine, which is basic and polar, at codon 370 of the AIFM1 protein (p.Gln370Arg). This variant is not present in population databases (gnomAD no frequency). This variant has not been reported in the literature in individuals affected with AIFM1-related conditions. ClinVar contains an entry for this variant (Variation ID: 1446540). Invitae Evidence Modeling of protein sequence and biophysical properties (such as structural, functional, and spatial information, amino acid conservation, physicochemical variation, residue mobility, and thermodynamic stability) indicates that this missense variant is not expected to disrupt AIFM1 protein function with a negative predictive value of 80%. In summary, the available evidence is currently insufficient to determine the role of this variant in disease. Therefore, it has been classified as a Variant of Uncertain Significance.